The following is an entry in ClinVar:

NM_001374736.1(DST):c.11655T>C (p.Asp3885=)

Gene: DST (dystonin; minus strand). Cytogenetic location: 6p12.1.
Variant type: single nucleotide variant.
Coding change: c.11655T>C on transcript NM_001374736.1 (MANE Select); coding-DNA position 11655, T replaced by C.
Protein change: p.Asp3885=; no amino-acid change (aspartic acid 3885 retained).
Molecular consequence: synonymous variant.
Genome position (GRCh38, 1-based): chr6:56,600,108, A>G on the plus strand (T>C on the coding strand, the complement: DST is on the minus strand). VCF-style: chr6-56600108-A-G. GRCh37 (hg19) VCF-style: chr6-56464906-A-G.
Other names: c.5298T>C, p.Asp1766= (NM_001144769.5); c.4884T>C, p.Asp1628= (NM_001144770.2); c.11655T>C, p.Asp3885= (NM_001374722.1); c.11022T>C, p.Asp3674= (NM_001374729.1); c.4764T>C, p.Asp1588= (NM_001374730.1, NM_001386100.1, NM_183380.4); c.11682T>C, p.Asp3894= (NM_001374734.1); c.3786T>C, p.Asp1262= (NM_015548.5).
Identifiers: ClinVar variation 4794544 (VCV004794544.1).
Genomic context (GRCh38, chr6:56,600,108, plus strand): 5'-TGATAGAAAACCAAATTCTACCTCTTGCTTGGACTGATATTTCTTTAACTCAACTGTGCC[A>G]TCTCCAATCATGAAGGCTTCTTGGTGACCAATTAGGCGGTTTTCAGTTTGGGTAAGAAGA-3'
Protein context (NP_001361665.1, residues 3875-3895): IGHQEAFMIG[Asp3885=]GTVELKKYQS

ClinVar aggregate classification (germline): Uncertain significance (1 of 4 stars; one submission).

Conditions:
Hereditary sensory and autonomic neuropathy type 6. Also called: Neuropathy, hereditary sensory and autonomic, type VI; HSAN VI. Identifiers: Orphanet 314381, MedGen C3539003, MONDO:0013839, OMIM 614653.
Epidermolysis bullosa simplex 3, localized or generalized intermediate, with BP230 deficiency (EBS3). Also called: Epidermolysis bullosa simplex due to BP230 deficiency; Epidermolysis bullosa simplex, autosomal recessive 2. Identifiers: Orphanet 412181, MedGen C3809470, MONDO:0014180, OMIM 615425.

gnomAD v4.1: 2 of 1,612,962 alleles (0.00012%); highest among the groups gnomAD compares: East Asian, 0.0022%; no homozygotes.

Submission:

Labcorp Genetics (formerly Invitae), Labcorp
Classification: Uncertain significance for Epidermolysis bullosa simplex 3, localized or generalized intermediate, with BP230 deficiency; Hereditary sensory and autonomic neuropathy type 6. Last evaluated: 2025-05-22. Review status: criteria provided, single submitter. Criteria: Invitae Variant Classification Sherloc (09022015). Collection method: clinical testing. Allele origin: germline.
Comment: The DST gene has multiple clinically relevant transcripts. This variant occurs in alternate transcript NM_015548.4, and corresponds to NM_001723.5:c.*15409T>C in the primary transcript. This sequence change affects codon 1262 of the DST mRNA. It is a 'silent' change, meaning that it does not change the encoded amino acid sequence of the DST protein. This variant is present in population databases (no rsID available, gnomAD 0.006%). This variant has not been reported in the literature in individuals affected with DST-related conditions. Experimental studies and prediction algorithms are not available or were not evaluated, and the effect of this variant on mRNA splicing is currently unknown. In summary, the available evidence is currently insufficient to determine the role of this variant in disease. Therefore, it has been classified as a Variant of Uncertain Significance.